The following is an entry in ClinVar:

ClinVar aggregate classification (germline): Uncertain significance (1 of 4 stars; one submission).

gnomAD v4.1: 16 of 1,613,522 alleles (0.00099%); highest among the groups gnomAD compares: African/African-American, 0.0013%; no homozygotes.

Submission:

Labcorp Genetics (formerly Invitae), Labcorp
Classification: Uncertain significance. Last evaluated: 2025-11-27. Review status: criteria provided, single submitter. Criteria: Invitae Variant Classification Sherloc (09022015). Collection method: clinical testing. Allele origin: germline.
Comment: This sequence change replaces proline, which is neutral and non-polar, with alanine, which is neutral and non-polar, at codon 989 of the ZMIZ1 protein (p.Pro989Ala). This variant is present in population databases (rs757183814, gnomAD 0.0009%). This variant has not been reported in the literature in individuals affected with ZMIZ1-related conditions. Invitae Evidence Modeling of protein sequence and biophysical properties (such as structural, functional, and spatial information, amino acid conservation, physicochemical variation, residue mobility, and thermodynamic stability) indicates that this missense variant is not expected to disrupt ZMIZ1 protein function with a negative predictive value of 95%. In summary, the available evidence is currently insufficient to determine the role of this variant in disease. Therefore, it has been classified as a Variant of Uncertain Significance.

NM_020338.4(ZMIZ1):c.2965C>G (p.Pro989Ala)

Gene: ZMIZ1 (zinc finger MIZ-type containing 1; plus strand). Cytogenetic location: 10q22.3.
Variant type: single nucleotide variant.
Coding change: c.2965C>G on transcript NM_020338.4 (MANE Select); coding-DNA position 2965, C replaced by G.
Protein change: p.Pro989Ala; replaces proline 989 with alanine.
Molecular consequence: missense variant.
Genome position (GRCh38, 1-based): chr10:79,311,053, C>G. VCF-style: chr10-79311053-C-G. GRCh37 (hg19) VCF-style: chr10-81070810-C-G.
Other names: short protein forms P989A.
Identifiers: ClinVar variation 4763407 (VCV004763407.1).